The following is an entry in ClinVar:

Conditions:
Long QT syndrome 5 (LQT5). Identifiers: Orphanet 101016, Orphanet 768, MedGen C1867904, MONDO:0013372, OMIM 613695.

Submission:

Roden Lab, Vanderbilt University Medical Center
No classification provided (evidence only). Condition: Long QT syndrome 5. Review status: no classification provided. Collection method: in vitro. Allele origin: not applicable. Functional consequence: Effect on ion channel function.
ClinVar note: "not provided" was previously submitted as the classification for the variant. However, the classification appeared to be based only on an observation of functional data so it was converted to no classification on 2025-07-30.

NM_000219.6(KCNE1):c.88C>G (p.Leu30Val)

Gene: KCNE1 (potassium voltage-gated channel subfamily E regulatory subunit 1; minus strand). Cytogenetic location: 21q22.12.
Variant type: single nucleotide variant.
Coding change: c.88C>G on transcript NM_000219.6 (MANE Select); coding-DNA position 88, C replaced by G.
Protein change: p.Leu30Val; replaces leucine 30 with valine.
Molecular consequence: missense variant.
Genome position (GRCh38, 1-based): chr21:34,449,547, G>C on the plus strand (C>G on the coding strand, the complement: KCNE1 is on the minus strand). VCF-style: chr21-34449547-G-C. GRCh37 (hg19) VCF-style: chr21-35821845-G-C.
Other names: c.88C>G, p.Leu30Val (NM_001127668.4, NM_001127669.4, NM_001127670.4 and 4 more transcripts); short protein forms L30V.
Identifiers: ClinVar variation 3374014 (VCV003374014.2).